The following is an entry in ClinVar:

ClinVar aggregate classification (germline): Conflicting classifications of pathogenicity. Review status: criteria provided, conflicting classifications (1 of 4 stars). 2 submissions from 2 submitters: Likely pathogenic (1); Uncertain significance (1). Last evaluated 2026-06-24.

Conditions:
Familial hypokalemia-hypomagnesemia (GTLMNS). Also called: POTASSIUM AND MAGNESIUM DEPLETION; gitelman syndrome; HYPOMAGNESEMIA-HYPOKALEMIA, PRIMARY RENOTUBULAR, WITH HYPOCALCIURIA. Identifiers: Orphanet 358, MedGen C0268450, MONDO:0009904, OMIM 263800.

gnomAD v4.1: 3 of 1,614,160 alleles (0.00019%); highest among the groups gnomAD compares: Non-Finnish European, 0.00025%; no homozygotes.

Submissions (2):

Women's Health and Genetics/Laboratory Corporation of America, LabCorp
Classification: Uncertain significance. Last evaluated: 2026-06-24. Review status: criteria provided, single submitter. Criteria: LabCorp Variant Classification Summary - May 2015. Collection method: clinical testing. Allele origin: germline.
Comment: Variant summary: SLC12A3 c.2309G>A (p.Gly770Asp) results in a non-conservative amino acid change in the encoded protein sequence. Algorithms developed to predict the effect of missense changes on protein structure and function all suggest that this variant is likely to be disruptive. The variant was absent in 251466 control chromosomes. c.2309G>A has been observed in individuals affected with Gitelman syndrome (Roser_2009, Wang_2017, Loni_2024). These data indicate that the variant may be associated with disease. To our knowledge, no experimental evidence demonstrating an impact on protein function has been reported. The following publications have been ascertained in the context of this evaluation (PMID: 39911369, 19349556, 27216017). No submitters have cited clinical-significance assessments for this variant to ClinVar. Based on the evidence outlined above, the variant was classified as VUS-possibly pathogenic.

MVZ Medizinische Genetik Mainz
Classification: Likely pathogenic for Familial hypokalemia-hypomagnesemia. Last evaluated: 2024-02-27. Review status: criteria provided, single submitter. Criteria: UK Practice Guidelines For Variant Classification V4 01 2020. Collection method: clinical testing. Allele origin: germline. Inheritance: Autosomal recessive inheritance. Observed: 1 variant allele.
Comment: ACMG Criteria: PM3,PP3_MOD,PM2_SUP,PP4

Literature cited by the submitters: PubMed 19349556 (cited by Women's Health and Genetics/Laboratory Corporation of America, LabCorp); PubMed 27216017 (cited by Women's Health and Genetics/Laboratory Corporation of America, LabCorp); PubMed 39911369 (cited by Women's Health and Genetics/Laboratory Corporation of America, LabCorp).

NM_001126108.2(SLC12A3):c.2309G>A (p.Gly770Asp)

Gene: SLC12A3 (solute carrier family 12 member 3; plus strand). Cytogenetic location: 16q13.
Variant type: single nucleotide variant.
Coding change: c.2309G>A on transcript NM_001126108.2 (MANE Select); coding-DNA position 2309, G replaced by A.
Protein change: p.Gly770Asp; replaces glycine 770 with aspartic acid.
Molecular consequence: missense variant.
Genome position (GRCh38, 1-based): chr16:56,890,297, G>A. VCF-style: chr16-56890297-G-A. GRCh37 (hg19) VCF-style: chr16-56924209-G-A.
Other names: c.2309G>A, p.Gly770Asp (NM_000339.3); c.2306G>A, p.Gly769Asp (NM_001126107.2, NM_001410896.1); short protein forms G769D, G770D.
Identifiers: ClinVar variation 4857241 (VCV004857241.2).
Genomic context (GRCh38, chr16:56,890,297, plus strand): 5'-TGGGGGAGAAGCTGGACCTCACCTCCTCTCTTTCCAGTGATGCCTTTGATTTCAACTATG[G>A]CGTGTGTGTCATGAGGATGCGGGAGGGACTCAACGTGTCCAAGATGATGCAGGCGCACAG-3'
Protein context (NP_001119580.2, residues 760-780): ILHDAFDFNY[Gly770Asp]VCVMRMREGL